The following is an entry in ClinVar:

ClinVar aggregate classification (germline): Pathogenic. Review status: criteria provided, single submitter (1 of 4 stars). 2 submissions from 2 submitters: Pathogenic (1). 1 of the submissions does not count toward it. Last evaluated 2020-07-30.

Conditions:
Phenylketonuria (PKU). Also called: Phenylketonuria (PKU); FOLLING DISEASE; OLIGOPHRENIA PHENYLPYRUVICA; Phenylketonurias. Identifiers: Orphanet 716, MedGen C0031485, MONDO:0009861, OMIM 261600. Disease mechanism: loss of function.

Submissions (2):

Labcorp Genetics (formerly Invitae), Labcorp
Classification: Pathogenic for Phenylketonuria. Last evaluated: 2020-07-30. Review status: criteria provided, single submitter. Criteria: Invitae Variant Classification Sherloc (09022015). Collection method: clinical testing. Allele origin: germline.
Comment: Advanced modeling of protein sequence and biophysical properties (such as structural, functional, and spatial information, amino acid conservation, physicochemical variation, residue mobility, and thermodynamic stability) performed at Invitae indicates that this missense variant is expected to disrupt PAH protein function. This variant disrupts the p.Glu76 amino acid residue in PAH. Other variant(s) that disrupt this residue have been determined to be pathogenic (PMID: 12655546, 24401910, 11935335). This suggests that this residue is clinically significant, and that variants that disrupt this residue are likely to be disease-causing. For these reasons, this variant has been classified as Pathogenic. This variant has been observed in individual(s) with PAH-related conditions (PMID: 8632937, Invitae). ClinVar contains an entry for this variant (Variation ID: 102634). This sequence change replaces glutamic acid with alanine at codon 76 of the PAH protein (p.Glu76Ala). The glutamic acid residue is moderately conserved and there is a moderate physicochemical difference between glutamic acid and alanine. This variant is not present in population databases (ExAC no frequency).

DeBelle Laboratory for Biochemical Genetics, MUHC/MCH RESEARCH INSTITUTE
No classification provided. Review status: no classification provided. Collection method: not provided. Allele origin: not provided. Not counted in ClinVar's aggregate classification.

Literature cited by the submitters: PubMed 12655546 (cited by Labcorp Genetics (formerly Invitae), Labcorp); PubMed 24401910 (cited by Labcorp Genetics (formerly Invitae), Labcorp); PubMed 11935335 (cited by Labcorp Genetics (formerly Invitae), Labcorp); PubMed 8632937 (cited by Labcorp Genetics (formerly Invitae), Labcorp).

NM_000277.3(PAH):c.227A>C (p.Glu76Ala)

Gene: PAH (phenylalanine hydroxylase; minus strand). Cytogenetic location: 12q23.2.
Variant type: single nucleotide variant.
Coding change: c.227A>C on transcript NM_000277.3 (MANE Select); coding-DNA position 227, A replaced by C.
Protein change: p.Glu76Ala; replaces glutamic acid 76 with alanine.
Molecular consequence: missense variant.
Genome position (GRCh38, 1-based): chr12:102,894,860, T>G on the plus strand (A>C on the coding strand, the complement: PAH is on the minus strand). VCF-style: chr12-102894860-T-G. GRCh37 (hg19) VCF-style: chr12-103288638-T-G.
Other names: c.227A>C, p.Glu76Ala (NM_001354304.2); short protein forms E76A.
Identifiers: ClinVar variation 102634 (VCV000102634.8), dbSNP rs62507347, ClinGen allele CA229492.
Genomic context (GRCh38, chr12:102,894,860, plus strand): 5'-TTGATGATGTTTGTCAGAGCAGGCAGGCTACGTTTATCCAAATGGGTGAAAAATTCATAC[T>G]CATCTTTCTTTAAACGAGAAGGTCTAGATTCAATGTGGGTCAGGTTTACATCATTCTCCT-3'
Protein context (NP_000268.1, residues 66-86): ESRPSRLKKD[Glu76Ala]YEFFTHLDKR